The following is an entry in ClinVar:

NM_000143.4(FH):c.379-1G>A

Gene: FH (fumarate hydratase; minus strand). Cytogenetic location: 1q43.
Variant type: single nucleotide variant.
Coding change: c.379-1G>A on transcript NM_000143.4 (MANE Select); the canonical splice acceptor site of the intron before coding-DNA position 379, G replaced by A.
Molecular consequence: splice acceptor variant.
Genome position (GRCh38, 1-based): chr1:241,512,144, C>T on the plus strand (G>A on the coding strand, the complement: FH is on the minus strand). VCF-style: chr1-241512144-C-T. GRCh37 (hg19) VCF-style: chr1-241675444-C-T.
Identifiers: ClinVar variation 460352 (VCV000460352.10), dbSNP rs1553341623, ClinGen allele CA345440237.

ClinVar aggregate classification (germline): Pathogenic. Review status: criteria provided, multiple submitters, no conflicts (2 of 4 stars). 2 submissions from 2 submitters: Pathogenic (2). Last evaluated 2025-04-04.

Conditions:
Hereditary cancer-predisposing syndrome. Also called: Neoplastic Syndromes, Hereditary; Tumor predisposition; Hereditary Cancer Syndrome; Hereditary neoplastic syndrome. Identifiers: Orphanet 140162, MedGen C0027672, MeSH D009386, MONDO:0015356.

Allele frequency attached by ClinVar (database versions not stated): gnomAD exomes below 0.00001.
gnomAD v4.1: 2 of 1,612,940 alleles (0.00012%); highest among the groups gnomAD compares: South Asian, 0.0022%; no homozygotes.

Submissions (2):

Labcorp Genetics (formerly Invitae), Labcorp
Classification: Pathogenic. Last evaluated: 2025-04-04. Review status: criteria provided, single submitter. Criteria: Invitae Variant Classification Sherloc (09022015). Collection method: clinical testing. Allele origin: germline.
Comment: This sequence change affects an acceptor splice site in intron 3 of the FH gene. It is expected to disrupt RNA splicing. Variants that disrupt the donor or acceptor splice site typically lead to a loss of protein function (PMID: 16199547), and loss-of-function variants in FH are known to be pathogenic (PMID: 11865300, 21398687). This variant is not present in population databases (gnomAD no frequency). Disruption of this splice site has been observed in individual(s) with cutaneous and uterine leiomyomas (internal data). It has also been observed to segregate with disease in related individuals. ClinVar contains an entry for this variant (Variation ID: 460352). Algorithms developed to predict the effect of sequence changes on RNA splicing suggest that this variant may disrupt the consensus splice site. For these reasons, this variant has been classified as Pathogenic.

Ambry Genetics
Classification: Pathogenic for Hereditary cancer-predisposing syndrome. Last evaluated: 2023-07-14. Review status: criteria provided, single submitter. Criteria: Ambry Variant Classification Scheme 2023. Collection method: clinical testing. Allele origin: germline.
Comment: The c.379-1G>A intronic pathogenic mutation results from a G to A substitution one nucleotide upstream from coding exon 4 of the FH gene. Alterations that disrupt the canonical splice site are expected to cause aberrant splicing, resulting in an abnormal protein or a transcript that is subject to nonsense-mediated mRNA decay. This alteration has been observed in individuals with a personal and/or family history that is consistent with FH-related disease and has been reported to co-segregate with the disease in at least one family (external communication). This variant is considered to be rare based on population cohorts in the Genome Aggregation Database (gnomAD). This nucleotide position is highly conserved in available vertebrate species. In silico splice site analysis predicts that this alteration will weaken the native splice acceptor site and will result in the creation or strengthening of a novel splice acceptor site. RNA studies have demonstrated that this alteration results in abnormal splicing in the set of samples tested (Ambry internal data). Based on the supporting evidence, this alteration is interpreted as a disease-causing mutation.

Literature cited by the submitters: PubMed 16199547 (cited by Labcorp Genetics (formerly Invitae), Labcorp); PubMed 11865300 (cited by Labcorp Genetics (formerly Invitae), Labcorp); PubMed 21398687 (cited by Labcorp Genetics (formerly Invitae), Labcorp).